The following is an entry in ClinVar:

NM_080425.4(GNAS):c.1142C>T (p.Pro381Leu)

Gene: GNAS (GNAS complex locus; plus strand). Cytogenetic location: 20q13.32.
Variant type: single nucleotide variant.
Coding change: c.1142C>T on transcript NM_080425.4 (MANE Plus Clinical); coding-DNA position 1142, C replaced by T.
Protein change: p.Pro381Leu; replaces proline 381 with leucine.
Molecular consequence: missense variant. On other transcripts: intron variant (3), synonymous variant (2).
Genome position (GRCh38, 1-based): chr20:58,854,407, C>T. VCF-style: chr20-58854407-C-T. GRCh37 (hg19) VCF-style: chr20-57429462-C-T.
Other names: c.1142C>T, p.Pro381Leu (NM_001410913.1); c.*42+13521C>T (NM_016592.5); c.43+13521C>T (NM_001410912.1); c.-39+12532C>T (NM_001309861.2); c.955C>T, p.Leu319= (NM_001077490.3, NM_001309883.1); short protein forms P381L.
Identifiers: ClinVar variation 3351018 (VCV003351018.1).

ClinVar aggregate classification (germline): Uncertain significance (0 of 4 stars; one submission).

Conditions:
GNAS-related disorder. Identifiers: MedGen CN380105.

gnomAD v4.1: 7 of 1,566,602 alleles (0.00045%); highest among the groups gnomAD compares: Middle Eastern, 0.017%; no homozygotes.

Submission:

PreventionGenetics, part of Exact Sciences
Classification: Uncertain significance for GNAS-related condition. Last evaluated: 2024-06-19. Review status: no assertion criteria provided. Collection method: clinical testing. Allele origin: germline.
Comment: The GNAS c.1142C>T variant is predicted to result in the amino acid substitution p.Pro381Leu. To our knowledge, this variant has not been reported in the literature. This variant is reported in 0.0043% of alleles in individuals of European (Non-Finnish) descent in gnomAD. At this time, the clinical significance of this variant is uncertain due to the absence of conclusive functional and genetic evidence.